The following is an entry in ClinVar:

NM_001374736.1(DST):c.16617G>T (p.Gln5539His)

Gene: DST (dystonin; minus strand). Cytogenetic location: 6p12.1.
Variant type: single nucleotide variant.
Coding change: c.16617G>T on transcript NM_001374736.1 (MANE Select); coding-DNA position 16617, G replaced by T.
Protein change: p.Gln5539His; replaces glutamine 5539 with histidine.
Molecular consequence: missense variant.
Genome position (GRCh38, 1-based): chr6:56,536,932, C>A on the plus strand (G>T on the coding strand, the complement: DST is on the minus strand). VCF-style: chr6-56536932-C-A. GRCh37 (hg19) VCF-style: chr6-56401730-C-A.
Other names: p.Gln3420His; c.10260G>T, p.Gln3420His (NM_001144769.5); c.9846G>T, p.Gln3282His (NM_001144770.2); c.16617G>T, p.Gln5539His (NM_001374722.1); c.15984G>T, p.Gln5328His (NM_001374729.1); c.9726G>T, p.Gln3242His (NM_001374730.1, NM_001386100.1, NM_183380.4); c.16644G>T, p.Gln5548His (NM_001374734.1); c.8748G>T, p.Gln2916His (NM_015548.5); short protein forms Q3242H, Q5539H, Q3420H, Q5548H, Q3282H, Q5328H, Q2916H.
Identifiers: ClinVar variation 4541174 (VCV004541174.1).

ClinVar aggregate classification (germline): Uncertain significance (1 of 4 stars; one submission).

gnomAD v4.1: 10 of 1,613,614 alleles (0.00062%); highest among the groups gnomAD compares: Non-Finnish European, 0.00076%; no homozygotes.

Submission:

Mayo Clinic Laboratories, Mayo Clinic
Classification: Uncertain significance. Last evaluated: 2025-07-16. Review status: criteria provided, single submitter. Criteria: ACMG Guidelines, 2015. Collection method: clinical testing. Allele origin: germline. Observed: 1 variant allele.
Comment: BP4